The following is an entry in ClinVar:

ClinVar aggregate classification (germline): Uncertain significance (1 of 4 stars; one submission).

Submission:

Dasa
Classification: Uncertain significance. Last evaluated: 2026-06-26. Review status: criteria provided, single submitter. Criteria: DASA Assertion Criteria. Collection method: clinical testing. Allele origin: germline.
Comment: NM_005360.5(MAF):c.437C>A (p.Ala146Asp) is a missense variant that results in the substitution of alanine with aspartic acid. This variant is rare in population databases. The currently available literature and clinical evidence are not sufficient to establish a definitive association between this variant and the reported condition. Therefore, this variant is classified as a variant of uncertain significance.

NM_005360.5(MAF):c.437C>A (p.Ala146Asp)

Gene: MAF (MAF bZIP transcription factor; minus strand). Cytogenetic location: 16q23.2.
Variant type: single nucleotide variant.
Coding change: c.437C>A on transcript NM_005360.5 (MANE Select); coding-DNA position 437, C replaced by A.
Protein change: p.Ala146Asp; replaces alanine 146 with aspartic acid.
Molecular consequence: missense variant.
Genome position (GRCh38, 1-based): chr16:79,599,466, G>T on the plus strand (C>A on the coding strand, the complement: MAF is on the minus strand). VCF-style: chr16-79599466-G-T. GRCh37 (hg19) VCF-style: chr16-79633363-G-T.
Other names: c.437C>A, p.Ala146Asp (NM_001031804.3); short protein forms A146D.
Identifiers: ClinVar variation 5020302 (VCV005020302.1).